The following is an entry in ClinVar:

ClinVar aggregate classification (germline): Uncertain significance. Review status: criteria provided, multiple submitters, no conflicts (2 of 4 stars). 2 submissions from 2 submitters: Uncertain significance (2). Last evaluated 2024-02-05.

Conditions:
Peripheral neuropathy. Also called: Neuropathy. Identifiers: MedGen C0031117, MONDO:0005244, HP:0009830.

Allele frequency attached by ClinVar (database versions not stated): gnomAD exomes 0.00001 and 0.00005; ExAC 0.00004; ESP Exome Variant Server 0.00008; gnomAD 0.00009; TOPMed 0.00012; 1000 Genomes Project 30x 0.00016; 1000 Genomes Project 0.00020.
gnomAD v4.1: 37 of 1,612,946 alleles (0.0023%); highest among the groups gnomAD compares: African/African-American, 0.04%; no homozygotes.

Submissions (2):

Ambry Genetics
Classification: Uncertain significance. Last evaluated: 2024-02-05. Review status: criteria provided, single submitter. Criteria: Ambry Variant Classification Scheme 2023. Collection method: clinical testing. Allele origin: germline.

Labcorp Genetics (formerly Invitae), Labcorp
Classification: Uncertain significance for Peripheral neuropathy. Last evaluated: 2022-09-06. Review status: criteria provided, single submitter. Criteria: Invitae Variant Classification Sherloc (09022015). Collection method: clinical testing. Allele origin: germline.
Comment: In summary, the available evidence is currently insufficient to determine the role of this variant in disease. Therefore, it has been classified as a Variant of Uncertain Significance. Algorithms developed to predict the effect of missense changes on protein structure and function are either unavailable or do not agree on the potential impact of this missense change (SIFT: "Deleterious"; PolyPhen-2: "Benign"; Align-GVGD: "Class C0"). ClinVar contains an entry for this variant (Variation ID: 1054375). This variant has not been reported in the literature in individuals affected with FLRT1-related conditions. This variant is present in population databases (rs374535379, gnomAD 0.04%). This sequence change replaces serine, which is neutral and polar, with tyrosine, which is neutral and polar, at codon 401 of the FLRT1 protein (p.Ser401Tyr).

NM_013280.5(FLRT1):c.1202C>A (p.Ser401Tyr)

Genes: FLRT1 (fibronectin leucine rich transmembrane protein 1; plus strand), MACROD1 (mono-ADP ribosylhydrolase 1; minus strand). Cytogenetic location: 11q13.1.
Variant type: single nucleotide variant.
Coding change: c.1202C>A on transcript NM_013280.5 (MANE Select); coding-DNA position 1202, C replaced by A.
Protein change: p.Ser401Tyr; replaces serine 401 with tyrosine.
Molecular consequence: missense variant. On other transcripts: intron variant (2).
Genome position (GRCh38, 1-based): chr11:64,117,469, C>A. VCF-style: chr11-64117469-C-A. GRCh37 (hg19) VCF-style: chr11-63884941-C-A.
Other names: c.1202C>A, p.Ser401Tyr (NM_001384466.1); c.1118C>A, p.Ser373Tyr (NM_001423967.1); c.517+33770G>T (NM_001411019.1, NM_014067.4); short protein forms S401Y, S373Y.
Identifiers: ClinVar variation 1054375 (VCV001054375.10), dbSNP rs374535379, ClinGen allele CA6067654.